The following is an entry in ClinVar:

ClinVar aggregate classification (germline): Uncertain significance. Review status: criteria provided, multiple submitters, no conflicts (2 of 4 stars). 4 submissions from 4 submitters: Uncertain significance (3). 1 of the submissions does not count toward it. Last evaluated 2025-04-19.

Conditions:
Autosomal dominant nonsyndromic hearing loss 56. Also called: Deafness, autosomal dominant 56. Identifiers: Orphanet 90635, MedGen C3810170, MONDO:0014283, OMIM 615629.
TNC-related disorder. Also called: TNC-related condition.

Allele frequency attached by ClinVar (database versions not stated): TOPMed 0.00011; ExAC 0.00002; gnomAD 0.00007 and 0.00005.
gnomAD v4.1: 86 of 1,609,906 alleles (0.0053%); highest among the groups gnomAD compares: Middle Eastern, 0.033%; no homozygotes.

Submissions (4):

Ambry Genetics
Classification: Uncertain significance. Last evaluated: 2025-04-19. Review status: criteria provided, single submitter. Criteria: Ambry Variant Classification Scheme 2023. Collection method: clinical testing. Allele origin: germline.

Baylor Genetics
Classification: Uncertain significance for Autosomal dominant nonsyndromic hearing loss 56. Last evaluated: 2019-03-02. Review status: criteria provided, single submitter. Criteria: ACMG Guidelines, 2015. Collection method: clinical testing. Allele origin: maternal. Affected: yes.
Comment: This variant was determined to be of uncertain significance according to ACMG Guidelines, 2015 [PMID:25741868].

CeGaT Center for Human Genetics Tuebingen
Classification: Uncertain significance. Last evaluated: 2017-03-31. Review status: criteria provided, single submitter. Criteria: Praxis fuer Humangenetik Tuebingen - Variant Classification Criteria. Collection method: clinical testing. Allele origin: germline. Affected: yes. Observed: 1 variant allele.

PreventionGenetics, part of Exact Sciences
Classification: Uncertain significance for TNC-related condition. Last evaluated: 2024-08-14. Review status: no assertion criteria provided. Collection method: clinical testing. Allele origin: germline. Not counted in ClinVar's aggregate classification.
Comment: The TNC c.2960C>T variant is predicted to result in the amino acid substitution p.Thr987Met. To our knowledge, this variant has not been reported in the literature. This variant is reported in 0.0040% of alleles in individuals of European (Non-Finnish) descent in gnomAD, including >80 alleles in the larger gnomAD v4.1.0 dataset. At this time, the clinical significance of this variant is uncertain due to the absence of conclusive functional and genetic evidence.

NM_002160.4(TNC):c.2960C>T (p.Thr987Met)

Gene: TNC (tenascin C; minus strand). Cytogenetic location: 9q33.1.
Variant type: single nucleotide variant.
Coding change: c.2960C>T on transcript NM_002160.4 (MANE Select); coding-DNA position 2960, C replaced by T.
Protein change: p.Thr987Met; replaces threonine 987 with methionine.
Molecular consequence: missense variant.
Genome position (GRCh38, 1-based): chr9:115,073,857, G>A on the plus strand (C>T on the coding strand, the complement: TNC is on the minus strand). VCF-style: chr9-115073857-G-A. GRCh37 (hg19) VCF-style: chr9-117836136-G-A.
Other names: short protein forms T987M.
Identifiers: ClinVar variation 444776 (VCV000444776.6), dbSNP rs778506429, ClinGen allele CA5208344.
Genomic context (GRCh38, chr9:115,073,857, plus strand): 5'-GTCTTCCAGAGCAGGGTCAGGCTGGTCTCTGCAGTTTCAGAAACCTGAAGGTCCTTGGGC[G>A]TGTCCAACTCTGGGAGGAGAACAGAGAGATGAATGCTCTTCAGGCTGCAAGACAGGGCTG-3'
Protein context (NP_002151.2, residues 977-997): ATINAATELD[Thr987Met]PKDLQVSETA